The following is an entry in ClinVar:

ClinVar aggregate classification (germline): Uncertain significance. Review status: criteria provided, multiple submitters, no conflicts (2 of 4 stars). 2 submissions from 2 submitters: Uncertain significance (2). Last evaluated 2022-09-07.

Allele frequency attached by ClinVar (database versions not stated): gnomAD exomes below 0.00001; ExAC 0.00001; gnomAD 0.00001; 1000 Genomes Project 30x 0.00016; 1000 Genomes Project 0.00020.
gnomAD v4.1: 5 of 1,614,196 alleles (0.00031%); highest among the groups gnomAD compares: African/African-American, 0.0067%; no homozygotes.

Submissions (2):

Labcorp Genetics (formerly Invitae), Labcorp
Classification: Uncertain significance. Last evaluated: 2022-09-07. Review status: criteria provided, single submitter. Criteria: Invitae Variant Classification Sherloc (09022015). Collection method: clinical testing. Allele origin: germline.
Comment: This sequence change replaces aspartic acid, which is acidic and polar, with glycine, which is neutral and non-polar, at codon 445 of the ASXL1 protein (p.Asp445Gly). This variant is present in population databases (rs201151457, gnomAD 0.007%). This variant has not been reported in the literature in individuals affected with ASXL1-related conditions. ClinVar contains an entry for this variant (Variation ID: 1361812). Algorithms developed to predict the effect of missense changes on protein structure and function are either unavailable or do not agree on the potential impact of this missense change (SIFT: "Tolerated"; PolyPhen-2: "Probably Damaging"; Align-GVGD: "Class C0"). Algorithms developed to predict the effect of sequence changes on RNA splicing suggest that this variant may create or strengthen a splice site. In summary, the available evidence is currently insufficient to determine the role of this variant in disease. Therefore, it has been classified as a Variant of Uncertain Significance.

Breakthrough Genomics
Classification: Uncertain significance. Review status: criteria provided, single submitter. Criteria: ACMG Guidelines, 2015. Collection method: not provided. Allele origin: germline. Inheritance: Autosomal dominant inheritance. Affected: yes.

NM_015338.6(ASXL1):c.1334A>G (p.Asp445Gly)

Gene: ASXL1 (ASXL transcriptional regulator 1; plus strand). Cytogenetic location: 20q11.21.
Variant type: single nucleotide variant.
Coding change: c.1334A>G on transcript NM_015338.6 (MANE Select); coding-DNA position 1334, A replaced by G.
Protein change: p.Asp445Gly; replaces aspartic acid 445 with glycine.
Molecular consequence: missense variant.
Genome position (GRCh38, 1-based): chr20:32,433,532, A>G. VCF-style: chr20-32433532-A-G. GRCh37 (hg19) VCF-style: chr20-31021335-A-G.
Other names: c.1151A>G, p.Asp384Gly (NM_001363734.1); short protein forms D384G, D445G.
Identifiers: ClinVar variation 1361812 (VCV001361812.7), dbSNP rs201151457, ClinGen allele CA9808337.